The following is an entry in ClinVar:

ClinVar aggregate classification (germline): Uncertain significance (1 of 4 stars; one submission).

gnomAD v4.1: 4 of 1,614,014 alleles (0.00025%); highest among the groups gnomAD compares: Admixed American, 0.0017%; no homozygotes.

Submission:

Women's Health and Genetics/Laboratory Corporation of America, LabCorp
Classification: Uncertain significance. Last evaluated: 2024-05-02. Review status: criteria provided, single submitter. Criteria: LabCorp Variant Classification Summary - May 2015. Collection method: clinical testing. Allele origin: germline.
Comment: Variant summary: ZNF462 c.3185G>A (p.Arg1062Lys) results in a conservative amino acid change in the encoded protein sequence. Three of five in-silico tools predict a damaging effect of the variant on protein function. The variant allele was found at a frequency of 4e-06 in 251346 control chromosomes. The available data on variant occurrences in the general population are insufficient to allow any conclusion about variant significance. To our knowledge, no occurrence of c.3185G>A in individuals affected with Weiss-Kruszka Syndrome and no experimental evidence demonstrating its impact on protein function have been reported. No submitters have cited clinical-significance assessments for this variant to ClinVar. Based on the evidence outlined above, the variant was classified as uncertain significance.

NM_021224.6(ZNF462):c.3185G>A (p.Arg1062Lys)

Gene: ZNF462 (zinc finger protein 462; plus strand). Cytogenetic location: 9q31.2.
Variant type: single nucleotide variant.
Coding change: c.3185G>A on transcript NM_021224.6 (MANE Select); coding-DNA position 3185, G replaced by A.
Protein change: p.Arg1062Lys; replaces arginine 1062 with lysine.
Molecular consequence: missense variant.
Genome position (GRCh38, 1-based): chr9:106,927,097, G>A. VCF-style: chr9-106927097-G-A. GRCh37 (hg19) VCF-style: chr9-109689378-G-A.
Other names: c.3185G>A, p.Arg1062Lys (NM_001347997.2); short protein forms R1062K.
Identifiers: ClinVar variation 3336254 (VCV003336254.1).